The following is an entry in ClinVar:

ClinVar aggregate classification (germline): Uncertain significance (1 of 4 stars; one submission).

Submission:

Labcorp Genetics (formerly Invitae), Labcorp
Classification: Uncertain significance. Last evaluated: 2021-12-22. Review status: criteria provided, single submitter. Criteria: Invitae Variant Classification Sherloc (09022015). Collection method: clinical testing. Allele origin: germline.
Comment: In summary, the available evidence is currently insufficient to determine the role of this variant in disease. Therefore, it has been classified as a Variant of Uncertain Significance. Algorithms developed to predict the effect of missense changes on protein structure and function are either unavailable or do not agree on the potential impact of this missense change (SIFT: "Not Available"; PolyPhen-2: "Benign"; Align-GVGD: "Not Available"). This variant has not been reported in the literature in individuals affected with ATAD1-related conditions. This variant is not present in population databases (gnomAD no frequency). This sequence change replaces methionine, which is neutral and non-polar, with valine, which is neutral and non-polar, at codon 74 of the ATAD1 protein (p.Met74Val).

NM_001321967.2(ATAD1):c.220A>G (p.Met74Val)

Gene: ATAD1 (ATPase family AAA domain containing 1; minus strand). Cytogenetic location: 10q23.31.
Variant type: single nucleotide variant.
Coding change: c.220A>G on transcript NM_001321967.2 (MANE Select); coding-DNA position 220, A replaced by G.
Protein change: p.Met74Val; replaces methionine 74 with valine.
Molecular consequence: missense variant. On other transcripts: 5 prime UTR variant (1), non-coding transcript variant (1).
Genome position (GRCh38, 1-based): chr10:87,792,698, T>C on the plus strand (A>G on the coding strand, the complement: ATAD1 is on the minus strand). VCF-style: chr10-87792698-T-C. GRCh37 (hg19) VCF-style: chr10-89552455-T-C.
Other names: c.220A>G, p.Met74Val (NM_001321968.2, NM_032810.4); c.-228A>G (NM_001321969.2); short protein forms M74V.
Identifiers: ClinVar variation 2052600 (VCV002052600.4), dbSNP rs1856186763, ClinGen allele CA377492363.